The following is an entry in ClinVar:

NM_004415.4(DSP):c.8419T>C (p.Ser2807Pro)

Gene: DSP (desmoplakin; plus strand). Cytogenetic location: 6p24.3.
Variant type: single nucleotide variant.
Coding change: c.8419T>C on transcript NM_004415.4 (MANE Select); coding-DNA position 8419, T replaced by C.
Protein change: p.Ser2807Pro; replaces serine 2807 with proline.
Molecular consequence: missense variant.
Genome position (GRCh38, 1-based): chr6:7,585,681, T>C. VCF-style: chr6-7585681-T-C. GRCh37 (hg19) VCF-style: chr6-7585914-T-C.
Other names: c.6622T>C, p.Ser2208Pro (NM_001008844.3); c.7090T>C, p.Ser2364Pro (NM_001319034.2); short protein forms S2208P, S2364P, S2807P.
Identifiers: ClinVar variation 3070461 (VCV003070461.1), dbSNP rs2533951674, ClinGen allele CA362695108.

ClinVar aggregate classification (germline): Uncertain significance (1 of 4 stars; one submission).

Conditions:
Arrhythmogenic cardiomyopathy with wooly hair and keratoderma. Also called: PALMOPLANTAR KERATODERMA WITH LEFT VENTRICULAR CARDIOMYOPATHY AND WOOLLY HAIR; Carvajal syndrome; Dilated cardiomyopathy with woolly hair and keratoderma; Arrhythmogenic cardiomyopathy with woolly hair and keratoderma. Identifiers: Orphanet 65282, MedGen C1854063, MONDO:0011581, OMIM 605676.

Submission:

All of Us Research Program, National Institutes of Health
Classification: Uncertain significance for Arrhythmogenic cardiomyopathy with wooly hair and keratoderma. Last evaluated: 2023-04-10. Review status: criteria provided, single submitter. Criteria: ACMG Guidelines, 2015. Collection method: clinical testing. Allele origin: germline. Inheritance: Autosomal dominant inheritance. Observed: 1 variant allele, 1 heterozygote.
Comment: This missense variant replaces serine with proline at codon 2807 of the DSP protein. Computational prediction suggests that this variant may not impact protein structure and function (internally defined REVEL score threshold <= 0.5, PMID: 27666373). To our knowledge, functional studies have not been reported for this variant. This variant has not been reported in individuals affected with DSP-related disorders in the literature. This variant has not been identified in the general population by the Genome Aggregation Database (gnomAD). The available evidence is insufficient to determine the role of this variant in disease conclusively. Therefore, this variant is classified as a Variant of Uncertain Significance.

This study involves interpretation of variants in research participants for the purpose of population health screening. Participant phenotype was not available at the time of variant classification. Additional details can be found in publication PMID: 35346344, PMCID: PMC8962531